The following is an entry in ClinVar:

NM_000135.4(FANCA):c.2056G>A (p.Ala686Thr)

Gene: FANCA (FA complementation group A; minus strand). Cytogenetic location: 16q24.3.
Variant type: single nucleotide variant.
Coding change: c.2056G>A on transcript NM_000135.4 (MANE Select); coding-DNA position 2056, G replaced by A.
Protein change: p.Ala686Thr; replaces alanine 686 with threonine.
Molecular consequence: missense variant.
Genome position (GRCh38, 1-based): chr16:89,771,773, C>T on the plus strand (G>A on the coding strand, the complement: FANCA is on the minus strand). VCF-style: chr16-89771773-C-T. GRCh37 (hg19) VCF-style: chr16-89838181-C-T.
Other names: c.2056G>A, p.Ala686Thr (NM_001286167.3); short protein forms A686T.
Identifiers: ClinVar variation 4254298 (VCV004254298.1).

ClinVar aggregate classification (germline): Uncertain significance (1 of 4 stars; one submission).

Conditions:
Inborn genetic diseases. Identifiers: MedGen C0950123, MeSH D030342.

Submission:

Ambry Genetics
Classification: Uncertain significance for Inborn genetic diseases. Last evaluated: 2025-08-19. Review status: criteria provided, single submitter. Criteria: Ambry Variant Classification Scheme 2023. Collection method: clinical testing. Allele origin: germline.
Comment: The p.A686T variant (also known as c.2056G>A), located in coding exon 23 of the FANCA gene, results from a G to A substitution at nucleotide position 2056. The alanine at codon 686 is replaced by threonine, an amino acid with similar properties. This amino acid position is conserved. In addition, this alteration is predicted to be tolerated by in silico analysis. Based on the available evidence, the clinical significance of this variant remains unclear.